The following is an entry in ClinVar:

ClinVar aggregate classification (germline): Likely benign (1 of 4 stars; one submission).

Conditions:
Papillary renal cell carcinoma type 1 (RCCP1). Also called: Renal adenocarcinoma; Renal cell carcinoma 1; Renal cell carcinoma, somatic; RENAL CELL CARCINOMA, PAPILLARY, 1, SOMATIC. Identifiers: Orphanet 47044, MedGen C1336839, OMIM 605074, HP:0011797.

Submission:

Myriad Genetics, Inc.
Classification: Likely benign for Papillary renal cell carcinoma type 1. Last evaluated: 2024-11-07. Review status: criteria provided, single submitter. Criteria: Myriad Autosomal Dominant, Autosomal Recessive and X-Linked Classification Criteria (2023). Collection method: clinical testing. Allele origin: unknown.
Comment: This variant is considered likely benign. This variant is intronic and is not expected to impact mRNA splicing.

NM_000245.4(MET):c.1201-17A>G

Gene: MET (MET proto-oncogene, receptor tyrosine kinase; plus strand). Cytogenetic location: 7q31.2.
Variant type: single nucleotide variant.
Coding change: c.1201-17A>G on transcript NM_000245.4 (MANE Select); 17 bases into the intron before coding-DNA position 1201, A replaced by G.
Molecular consequence: intron variant.
Genome position (GRCh38, 1-based): chr7:116,731,651, A>G. VCF-style: chr7-116731651-A-G. GRCh37 (hg19) VCF-style: chr7-116371705-A-G.
Other names: c.1201-17A>G (NM_001127500.3, NM_001324401.3); c.-90-17A>G (NM_001324402.2).
Identifiers: ClinVar variation 3773066 (VCV003773066.1).
Genomic context (GRCh38, chr7:116,731,651, plus strand): 5'-AATACACACTGAAAGGTTTCTTACCAGCTTGTTCATGTCTGGATTCACATTAACTCTATG[A>G]CCATATTTTATTCCAGACACTTCTGAGAAATTCATCAGGCTGTGAAGCGCGCCGTGATGA-3'